The following is an entry in ClinVar:

NM_153676.4(USH1C):c.1210+2T>G

Gene: USH1C (USH1 protein network component harmonin; minus strand). Cytogenetic location: 11p15.1.
Variant type: single nucleotide variant.
Coding change: c.1210+2T>G on transcript NM_153676.4 (MANE Select); the canonical splice donor site of the intron after coding-DNA position 1210, T replaced by G.
Molecular consequence: splice donor variant.
Genome position (GRCh38, 1-based): chr11:17,520,868, A>C on the plus strand (T>G on the coding strand, the complement: USH1C is on the minus strand). VCF-style: chr11-17520868-A-C. GRCh37 (hg19) VCF-style: chr11-17542415-A-C.
Other names: c.1153+2T>G (NM_001297764.2); c.1210+2T>G (NM_005709.4).
Identifiers: ClinVar variation 3601958 (VCV003601958.1).

ClinVar aggregate classification (germline): Likely pathogenic (1 of 4 stars; one submission).

Conditions:
Autosomal recessive nonsyndromic hearing loss 18A. Also called: DEAFNESS, AUTOSOMAL RECESSIVE 18; Deafness, autosomal recessive 18A. Identifiers: Orphanet 90636, MedGen C1865870, MONDO:0011192, OMIM 602092.

Submission:

Institute of Rare Diseases, West China Hospital, Sichuan University
Classification: Likely pathogenic for Autosomal recessive nonsyndromic hearing loss 18A. Last evaluated: 2025-01-09. Review status: criteria provided, single submitter. Criteria: ClinGen HL ACMG Specifications v1. Collection method: research. Allele origin: germline. Affected: yes.
Comment: PVS1;PM2_Supporting